The following is an entry in ClinVar:

ClinVar aggregate classification (germline): Uncertain significance (1 of 4 stars; one submission).

Allele frequency attached by ClinVar (database versions not stated): gnomAD exomes 0.00001; gnomAD 0.00002; TOPMed 0.00002.
gnomAD v4.1: 12 of 1,614,056 alleles (0.00074%); highest among the groups gnomAD compares: East Asian, 0.0067%; no homozygotes.

Submission:

Labcorp Genetics (formerly Invitae), Labcorp
Classification: Uncertain significance. Last evaluated: 2022-12-31. Review status: criteria provided, single submitter. Criteria: Invitae Variant Classification Sherloc (09022015). Collection method: clinical testing. Allele origin: germline.
Comment: In summary, the available evidence is currently insufficient to determine the role of this variant in disease. Therefore, it has been classified as a Variant of Uncertain Significance. Algorithms developed to predict the effect of missense changes on protein structure and function (SIFT, PolyPhen-2, Align-GVGD) all suggest that this variant is likely to be tolerated. This variant has not been reported in the literature in individuals affected with SLC41A1-related conditions. This variant is present in population databases (no rsID available, gnomAD 0.006%). This sequence change replaces alanine, which is neutral and non-polar, with threonine, which is neutral and polar, at codon 57 of the SLC41A1 protein (p.Ala57Thr).

NM_173854.6(SLC41A1):c.169G>A (p.Ala57Thr)

Gene: SLC41A1 (solute carrier family 41 member 1; minus strand). Cytogenetic location: 1q32.1.
Variant type: single nucleotide variant.
Coding change: c.169G>A on transcript NM_173854.6 (MANE Select); coding-DNA position 169, G replaced by A.
Protein change: p.Ala57Thr; replaces alanine 57 with threonine.
Molecular consequence: missense variant.
Genome position (GRCh38, 1-based): chr1:205,810,273, C>T on the plus strand (G>A on the coding strand, the complement: SLC41A1 is on the minus strand). VCF-style: chr1-205810273-C-T. GRCh37 (hg19) VCF-style: chr1-205779401-C-T.
Other names: short protein forms A57T.
Identifiers: ClinVar variation 3012263 (VCV003012263.3), dbSNP rs1031814971, ClinGen allele CA36481909.